The following is an entry in ClinVar:

NM_001379286.1(ZNF423):c.1273C>T (p.Arg425Trp)

Gene: ZNF423 (zinc finger protein 423; minus strand). Cytogenetic location: 16q12.1.
Variant type: single nucleotide variant.
Coding change: c.1273C>T on transcript NM_001379286.1 (MANE Select); coding-DNA position 1273, C replaced by T.
Protein change: p.Arg425Trp; replaces arginine 425 with tryptophan.
Molecular consequence: missense variant.
Genome position (GRCh38, 1-based): chr16:49,637,903, G>A on the plus strand (C>T on the coding strand, the complement: ZNF423 is on the minus strand). VCF-style: chr16-49637903-G-A. GRCh37 (hg19) VCF-style: chr16-49671814-G-A.
Other names: c.1069C>T, p.Arg357Trp (NM_001271620.2); c.898C>T, p.Arg300Trp (NM_001330533.2); c.1249C>T, p.Arg417Trp (NM_015069.5); short protein forms R357W, R417W, R425W, R300W.
Identifiers: ClinVar variation 1357011 (VCV001357011.7), dbSNP rs772823132, ClinGen allele CA8046715.

ClinVar aggregate classification (germline): Uncertain significance. Review status: criteria provided, multiple submitters, no conflicts (2 of 4 stars). 2 submissions from 2 submitters: Uncertain significance (2). Last evaluated 2024-06-27.

Conditions:
Nephronophthisis 14 (NPHP14). Identifiers: Orphanet 2318, MedGen C3539071, MONDO:0013916, OMIM 614844.

Allele frequency attached by ClinVar (database versions not stated): ExAC 0.00001; gnomAD 0.00001; gnomAD exomes 0.00002; TOPMed 0.00002.
gnomAD v4.1: 11 of 1,614,030 alleles (0.00068%); highest among the groups gnomAD compares: South Asian, 0.0044%; no homozygotes.

Submissions (2):

Blueprint Genetics
Classification: Uncertain significance. Last evaluated: 2024-06-27. Review status: criteria provided, single submitter. Criteria: ACMG Guidelines, 2015. Collection method: clinical testing. Allele origin: germline.

Labcorp Genetics (formerly Invitae), Labcorp
Classification: Uncertain significance for Nephronophthisis 14. Last evaluated: 2023-07-17. Review status: criteria provided, single submitter. Criteria: Invitae Variant Classification Sherloc (09022015). Collection method: clinical testing. Allele origin: germline.
Comment: This variant has not been reported in the literature in individuals affected with ZNF423-related conditions. ClinVar contains an entry for this variant (Variation ID: 1357011). Advanced modeling of protein sequence and biophysical properties (such as structural, functional, and spatial information, amino acid conservation, physicochemical variation, residue mobility, and thermodynamic stability) performed at Invitae indicates that this missense variant is not expected to disrupt ZNF423 protein function. In summary, the available evidence is currently insufficient to determine the role of this variant in disease. Therefore, it has been classified as a Variant of Uncertain Significance. This variant is present in population databases (rs772823132, gnomAD 0.006%). This sequence change replaces arginine, which is basic and polar, with tryptophan, which is neutral and slightly polar, at codon 417 of the ZNF423 protein (p.Arg417Trp).